The following is an entry in ClinVar:

NM_014000.3(VCL):c.1743+4G>A

Gene: VCL (vinculin; plus strand). Cytogenetic location: 10q22.2.
Variant type: single nucleotide variant.
Coding change: c.1743+4G>A on transcript NM_014000.3 (MANE Select); 4 bases into the intron after coding-DNA position 1743, G replaced by A.
Molecular consequence: intron variant.
Genome position (GRCh38, 1-based): chr10:74,095,859, G>A. VCF-style: chr10-74095859-G-A. GRCh37 (hg19) VCF-style: chr10-75855617-G-A.
Other names: c.1743+4G>A (NM_003373.4).
Identifiers: ClinVar variation 2918261 (VCV002918261.3), dbSNP rs770395226, ClinGen allele CA5563059.
Genomic context (GRCh38, chr10:74,095,859, plus strand): 5'-GAAGGGGAGAGTCCTCAGGCACGAGCACTTGCATCTCAGCTCCAAGACTCCTTAAAGGTA[G>A]AAGTCAGGAGCACATATCATTTTACTTTTTATGCTTCCTATTATTGAAAGACGAGGGAAG-3'

ClinVar aggregate classification (germline): Uncertain significance (1 of 4 stars; one submission).

Conditions:
Dilated cardiomyopathy 1W (CMD1W). Identifiers: Orphanet 154, MedGen C1969639, MONDO:0012667, OMIM 611407.

Allele frequency attached by ClinVar (database versions not stated): TOPMed below 0.00001; gnomAD 0.00001; gnomAD exomes 0.00001; ExAC 0.00002.
gnomAD v4.1: 12 of 1,612,922 alleles (0.00074%); highest among the groups gnomAD compares: East Asian, 0.0089%; no homozygotes.

Submission:

Labcorp Genetics (formerly Invitae), Labcorp
Classification: Uncertain significance for Dilated cardiomyopathy 1W. Last evaluated: 2023-10-23. Review status: criteria provided, single submitter. Criteria: Invitae Variant Classification Sherloc (09022015). Collection method: clinical testing. Allele origin: germline.
Comment: This sequence change falls in intron 12 of the VCL gene. It does not directly change the encoded amino acid sequence of the VCL protein. It affects a nucleotide within the consensus splice site. This variant is present in population databases (rs770395226, gnomAD 0.02%). This variant has not been reported in the literature in individuals affected with VCL-related conditions. Variants that disrupt the consensus splice site are a relatively common cause of aberrant splicing (PMID: 17576681, 9536098). Algorithms developed to predict the effect of sequence changes on RNA splicing suggest that this variant is not likely to affect RNA splicing. In summary, the available evidence is currently insufficient to determine the role of this variant in disease. Therefore, it has been classified as a Variant of Uncertain Significance.

Literature cited by the submitters: PubMed 17576681; PubMed 9536098.